The following is an entry in ClinVar:

ClinVar aggregate classification (germline): Uncertain significance (1 of 4 stars; one submission).

Conditions:
MHC class II deficiency. Also called: BLS, TYPE II; Bare lymphocyte syndrome 2. Identifiers: Orphanet 572, MedGen C5447452, MONDO:0008855.

Allele frequency attached by ClinVar (database versions not stated): gnomAD exomes below 0.00001; gnomAD 0.00001; TOPMed 0.00001.

Submission:

Labcorp Genetics (formerly Invitae), Labcorp
Classification: Uncertain significance for MHC class II deficiency. Last evaluated: 2021-09-01. Review status: criteria provided, single submitter. Criteria: Invitae Variant Classification Sherloc (09022015). Collection method: clinical testing. Allele origin: germline.
Comment: This sequence change replaces alanine with threonine at codon 401 of the RFX5 protein (p.Ala401Thr). The alanine residue is weakly conserved and there is a small physicochemical difference between alanine and threonine. This variant is not present in population databases (ExAC no frequency). This variant has not been reported in the literature in individuals affected with RFX5-related conditions. Algorithms developed to predict the effect of missense changes on protein structure and function (SIFT, PolyPhen-2, Align-GVGD) all suggest that this variant is likely to be tolerated. In summary, the available evidence is currently insufficient to determine the role of this variant in disease. Therefore, it has been classified as a Variant of Uncertain Significance.

NM_001025603.2(RFX5):c.1201G>A (p.Ala401Thr)

Gene: RFX5 (regulatory factor X5; minus strand). Cytogenetic location: 1q21.3.
Variant type: single nucleotide variant.
Coding change: c.1201G>A on transcript NM_001025603.2 (MANE Select); coding-DNA position 1201, G replaced by A.
Protein change: p.Ala401Thr; replaces alanine 401 with threonine.
Molecular consequence: missense variant.
Genome position (GRCh38, 1-based): chr1:151,342,836, C>T on the plus strand (G>A on the coding strand, the complement: RFX5 is on the minus strand). VCF-style: chr1-151342836-C-T. GRCh37 (hg19) VCF-style: chr1-151315312-C-T.
Other names: c.1201G>A, p.Ala401Thr (NM_000449.4, NM_001379412.1, NM_001379413.1 and 5 more transcripts); c.1081G>A, p.Ala361Thr (NM_001379419.1, NM_001379420.1); short protein forms A401T, A361T.
Identifiers: ClinVar variation 834604 (VCV000834604.7), dbSNP rs1225475866, ClinGen allele CA341928746.